The following is an entry in ClinVar:

ClinVar aggregate classification (germline): Likely benign. Review status: criteria provided, multiple submitters, no conflicts (2 of 4 stars). 2 submissions from 2 submitters: Likely benign (2). Last evaluated 2024-12-15.

Allele frequency attached by ClinVar (database versions not stated): gnomAD 0.00006 and 0.00007; gnomAD exomes 0.00006 and 0.00010; ESP Exome Variant Server 0.00008; ExAC 0.00009; TOPMed 0.00009.
gnomAD v4.1: 115 of 1,613,628 alleles (0.0071%); highest among the groups gnomAD compares: East Asian, 0.04%; no homozygotes.

Submissions (2):

Labcorp Genetics (formerly Invitae), Labcorp
Classification: Likely benign. Last evaluated: 2024-12-15. Review status: criteria provided, single submitter. Criteria: Invitae Variant Classification Sherloc (09022015). Collection method: clinical testing. Allele origin: germline.

CeGaT Center for Human Genetics Tuebingen
Classification: Likely benign. Last evaluated: 2023-05-01. Review status: criteria provided, single submitter. Criteria: CeGaT Center For Human Genetics Tuebingen Variant Classification Criteria Version 2. Collection method: clinical testing. Allele origin: germline. Affected: yes. Observed: 1 variant allele.
Comment: FAT1: BP4, BP7

NM_005245.4(FAT1):c.9399C>T (p.Thr3133=)

Gene: FAT1 (FAT atypical cadherin 1; minus strand). Cytogenetic location: 4q35.2.
Variant type: single nucleotide variant.
Coding change: c.9399C>T on transcript NM_005245.4 (MANE Select); coding-DNA position 9399, C replaced by T.
Protein change: p.Thr3133=; no amino-acid change (threonine 3133 retained).
Molecular consequence: synonymous variant.
Genome position (GRCh38, 1-based): chr4:186,613,173, G>A on the plus strand (C>T on the coding strand, the complement: FAT1 is on the minus strand). VCF-style: chr4-186613173-G-A. GRCh37 (hg19) VCF-style: chr4-187534327-G-A.
Identifiers: ClinVar variation 1597471 (VCV001597471.31), dbSNP rs368175543, ClinGen allele CA3165638.